The following is an entry in ClinVar:

NM_001040108.2(MLH3):c.3008G>A (p.Gly1003Glu)

Gene: MLH3 (mutL homolog 3; minus strand). Cytogenetic location: 14q24.3.
Variant type: single nucleotide variant.
Coding change: c.3008G>A on transcript NM_001040108.2 (MANE Select); coding-DNA position 3008, G replaced by A.
Protein change: p.Gly1003Glu; replaces glycine 1003 with glutamic acid.
Molecular consequence: missense variant.
Genome position (GRCh38, 1-based): chr14:75,046,648, C>T on the plus strand (G>A on the coding strand, the complement: MLH3 is on the minus strand). VCF-style: chr14-75046648-C-T. GRCh37 (hg19) VCF-style: chr14-75513351-C-T.
Other names: c.3008G>A, p.Gly1003Glu (NM_014381.3); short protein forms G1003E.
Identifiers: ClinVar variation 4108612 (VCV004108612.1).

ClinVar aggregate classification (germline): Uncertain significance (1 of 4 stars; one submission).

gnomAD v4.1: 6 of 1,614,198 alleles (0.00037%); highest among the groups gnomAD compares: Non-Finnish European, 0.00051%; no homozygotes.

Submission:

Ambry Genetics
Classification: Uncertain significance. Last evaluated: 2025-07-22. Review status: criteria provided, single submitter. Criteria: Ambry Variant Classification Scheme 2023. Collection method: clinical testing. Allele origin: germline.
Comment: The p.G1003E variant (also known as c.3008G>A), located in coding exon 1 of the MLH3 gene, results from a G to A substitution at nucleotide position 3008. The glycine at codon 1003 is replaced by glutamic acid, an amino acid with similar properties. This variant was detected in a cohort of 1046 familial colorectal cancer cases and not in 1006 control subjects (Raskin L et al. Oncotarget, 2017 Nov;8:93450-93463). This amino acid position is poorly conserved in available vertebrate species. In addition, this alteration is predicted to be tolerated by in silico analysis. The evidence for this gene-disease relationship is limited; therefore, the clinical significance of this alteration is unclear.

Literature cited by the submitters: PubMed 29212164.